The following is an entry in ClinVar:

NM_001253852.3(AP4B1):c.2020G>T (p.Ala674Ser)

Genes: AP4B1-AS1 (AP4B1 antisense RNA 1; plus strand), AP4B1 (adaptor related protein complex 4 subunit beta 1; minus strand). Cytogenetic location: 1p13.2.
Variant type: single nucleotide variant.
Coding change: c.2020G>T on transcript NM_001253852.3 (MANE Select); coding-DNA position 2020, G replaced by T.
Protein change: p.Ala674Ser; replaces alanine 674 with serine.
Molecular consequence: missense variant.
Genome position (GRCh38, 1-based): chr1:113,895,265, C>A on the plus strand (G>T on the coding strand, the complement: AP4B1 is on the minus strand). VCF-style: chr1-113895265-C-A. GRCh37 (hg19) VCF-style: chr1-114437887-C-A.
Other names: c.2020G>T (NM_006594.2); c.1723G>T, p.Ala575Ser (NM_001253853.3); c.1516G>T, p.Ala506Ser (NM_001308312.2); c.2020G>T, p.Ala674Ser (NM_006594.5); short protein forms A506S, A575S, A674S.
Identifiers: ClinVar variation 1059290 (VCV001059290.10), dbSNP rs769479430, ClinGen allele CA28994861.

ClinVar aggregate classification (germline): Uncertain significance. Review status: criteria provided, multiple submitters, no conflicts (2 of 4 stars). 2 submissions from 2 submitters: Uncertain significance (2). Last evaluated 2025-11-12.

Conditions:
Hereditary spastic paraplegia 47. Also called: Spastic paraplegia 47, autosomal recessive; adaptor protein 4 (AP-4) deficiency syndrome; CEREBRAL PALSY, SPASTIC QUADRIPLEGIC, 5. Identifiers: Orphanet 280763, MedGen C3279738, MONDO:0013551, OMIM 614066.
Inborn genetic diseases. Identifiers: MedGen C0950123, MeSH D030342.

gnomAD v4.1: 20 of 1,614,208 alleles (0.0012%); highest among the groups gnomAD compares: Middle Eastern, 0.016%; no homozygotes.

Submissions (2):

Ambry Genetics
Classification: Uncertain significance for Inborn genetic diseases. Last evaluated: 2025-11-12. Review status: criteria provided, single submitter. Criteria: Ambry Variant Classification Scheme 2023. Collection method: clinical testing. Allele origin: germline.

Labcorp Genetics (formerly Invitae), Labcorp
Classification: Uncertain significance for Hereditary spastic paraplegia 47. Last evaluated: 2021-04-02. Review status: criteria provided, single submitter. Criteria: Invitae Variant Classification Sherloc (09022015). Collection method: clinical testing. Allele origin: germline.
Comment: In summary, the available evidence is currently insufficient to determine the role of this variant in disease. Therefore, it has been classified as a Variant of Uncertain Significance. Algorithms developed to predict the effect of sequence changes on RNA splicing suggest that this variant may create or strengthen a splice site, but this prediction has not been confirmed by published transcriptional studies. Algorithms developed to predict the effect of missense changes on protein structure and function (SIFT, PolyPhen-2, Align-GVGD) all suggest that this variant is likely to be tolerated, but these predictions have not been confirmed by published functional studies and their clinical significance is uncertain. This variant has not been reported in the literature in individuals with AP4B1-related conditions. This variant is not present in population databases (ExAC no frequency). This sequence change replaces alanine with serine at codon 674 of the AP4B1 protein (p.Ala674Ser). The alanine residue is moderately conserved and there is a moderate physicochemical difference between alanine and serine.